The following is an entry in ClinVar:

ClinVar aggregate classification (germline): Uncertain significance. Review status: criteria provided, multiple submitters, no conflicts (2 of 4 stars). 2 submissions from 2 submitters: Uncertain significance (2). Last evaluated 2024-05-16.

Conditions:
Intellectual developmental disorder with neuropsychiatric features. Identifiers: MedGen C4479636, MONDO:0044322, OMIM 617532.

Allele frequency attached by ClinVar (database versions not stated): gnomAD exomes 0.00007; ESP Exome Variant Server 0.00008; gnomAD 0.00008; ExAC 0.00009; TOPMed 0.00011.
gnomAD v4.1: 116 of 1,612,734 alleles (0.0072%); highest among the groups gnomAD compares: Admixed American, 0.042%; no homozygotes.

Submissions (2):

Broad Center for Mendelian Genomics, Broad Institute of MIT and Harvard
Classification: Uncertain significance for Intellectual developmental disorder with neuropsychiatric features. Last evaluated: 2024-05-16. Review status: criteria provided, single submitter. Criteria: ACMG Guidelines, 2015. Collection method: curation. Allele origin: germline. Inheritance: Autosomal recessive inheritance.
Comment: This variant has been identified in 0.04% (25/59986) of Admixed American chromosomes by the Genome Aggregation Database (gnomAD; dbSNP (rs146331013)). Although this variant has been seen in the general population in a heterozygous state, its frequency is not high enough to rule out a pathogenic role. Computational prediction tools, including splice predictors, and conservation analyses suggest that this variant may not impact the protein, though this information is not predictive enough to rule out pathogenicity. In summary, the clinical significance of the p.Arg42Trp variant is uncertain. ACMG/AMP Criteria applied: BP4 (Richards 2015).

Ambry Genetics
Classification: Uncertain significance. Last evaluated: 2024-01-03. Review status: criteria provided, single submitter. Criteria: Ambry Variant Classification Scheme 2023. Collection method: clinical testing. Allele origin: germline.

NM_001080397.3(SLC45A1):c.124C>T (p.Arg42Trp)

Gene: SLC45A1 (solute carrier family 45 member 1; plus strand). Cytogenetic location: 1p36.23.
Variant type: single nucleotide variant.
Coding change: c.124C>T on transcript NM_001080397.3 (MANE Select); coding-DNA position 124, C replaced by T.
Protein change: p.Arg42Trp; replaces arginine 42 with tryptophan.
Molecular consequence: missense variant. On other transcripts: intron variant (2).
Genome position (GRCh38, 1-based): chr1:8,324,453, C>T. VCF-style: chr1-8324453-C-T. GRCh37 (hg19) VCF-style: chr1-8384513-C-T.
Other names: NM_001379618.1:c.-116-1365C>T; c.124C>T, p.Arg42Trp (NM_001379614.1, NM_001379615.1, NM_001379616.1); c.-116-1365C>T (NM_001379617.1, NM_001379618.1); short protein forms R42W.
Identifiers: ClinVar variation 3164866 (VCV003164866.2), dbSNP rs146331013, ClinGen allele CA570007.